The following is an entry in ClinVar:

ClinVar aggregate classification (germline): Conflicting classifications of pathogenicity. Review status: criteria provided, conflicting classifications (1 of 4 stars). 5 submissions from 5 submitters: Uncertain significance (1); Likely benign (3). 1 of the submissions does not count toward it. Last evaluated 2026-03-27.

Conditions:
PRDM16-related disorder. Also called: PRDM16-related condition.
Left ventricular noncompaction 8 (LVNC8). Identifiers: Orphanet 154, Orphanet 54260, MedGen C3809288, MONDO:0014152, OMIM 615373.

Allele frequency attached by ClinVar (database versions not stated): gnomAD exomes 0.00004 and 0.00014; ExAC 0.00014; ESP Exome Variant Server 0.00024; gnomAD 0.00052 and 0.00053; TOPMed 0.00060; 1000 Genomes Project 0.00100; 1000 Genomes Project 30x 0.00109.

Submissions (5):

Women's Health and Genetics/Laboratory Corporation of America, LabCorp
Classification: Likely benign. Last evaluated: 2026-03-27. Review status: criteria provided, single submitter. Criteria: LabCorp Variant Classification Summary - May 2015. Collection method: clinical testing. Allele origin: germline.

Labcorp Genetics (formerly Invitae), Labcorp
Classification: Likely benign for Left ventricular noncompaction 8. Last evaluated: 2026-01-24. Review status: criteria provided, single submitter. Criteria: Invitae Variant Classification Sherloc (09022015). Collection method: clinical testing. Allele origin: germline.

GeneDx
Classification: Likely benign. Last evaluated: 2020-04-10. Review status: criteria provided, single submitter. Criteria: GeneDx Variant Classification Process June 2021. Collection method: clinical testing. Allele origin: germline. Affected: yes.

Center for Pediatric Genomic Medicine, Children's Mercy Hospital and Clinics
Classification: Uncertain significance. Last evaluated: 2016-01-11. Review status: criteria provided, single submitter. Criteria: ACMG Guidelines, 2015. Collection method: clinical testing. Allele origin: germline.
ClinVar note: Converted during submission from Uncertain Significance to Uncertain significance.

PreventionGenetics, part of Exact Sciences
Classification: Likely benign for PRDM16-related condition. Last evaluated: 2024-05-31. Review status: no assertion criteria provided. Collection method: clinical testing. Allele origin: germline. Not counted in ClinVar's aggregate classification.
Comment: This variant is classified as likely benign based on ACMG/AMP sequence variant interpretation guidelines (Richards et al. 2015 PMID: 25741868, with internal and published modifications).

NM_022114.4(PRDM16):c.553A>G (p.Met185Val)

Gene: PRDM16 (PR/SET domain 16; plus strand). Cytogenetic location: 1p36.32.
Variant type: single nucleotide variant.
Coding change: c.553A>G on transcript NM_022114.4 (MANE Select); coding-DNA position 553, A replaced by G.
Protein change: p.Met185Val; replaces methionine 185 with valine.
Molecular consequence: missense variant.
Genome position (GRCh38, 1-based): chr1:3,385,266, A>G. VCF-style: chr1-3385266-A-G. GRCh37 (hg19) VCF-style: chr1-3301830-A-G.
Other names: c.553A>G, p.Met185Val (NM_199454.3); short protein forms M185V.
Identifiers: ClinVar variation 235271 (VCV000235271.19), dbSNP rs376567517, ClinGen allele CA543846.